The following is an entry in ClinVar:

NM_000595.4(LTA):c.37T>C (p.Cys13Arg)

Gene: LTA (lymphotoxin alpha; plus strand). Cytogenetic location: 6p21.33.
Variant type: single nucleotide variant.
Coding change: c.37T>C on transcript NM_000595.4 (MANE Select); coding-DNA position 37, T replaced by C.
Protein change: p.Cys13Arg; replaces cysteine 13 with arginine.
Molecular consequence: missense variant.
Genome position (GRCh38, 1-based): chr6:31,572,779, T>C. VCF-style: chr6-31572779-T-C. GRCh37 (hg19) VCF-style: chr6-31540556-T-C.
Other names: c.37T>C, p.Cys13Arg (NM_001159740.2); short protein forms C13R.
Identifiers: ClinVar variation 3059641 (VCV003059641.2), dbSNP rs2229094, ClinGen allele CA3713769.

ClinVar aggregate classification (germline): Benign (0 of 4 stars; one submission).

Conditions:
LTA-related disorder. Also called: LTA-related condition.

Allele frequency attached by ClinVar (database versions not stated): gnomAD exomes 0.26172; TOPMed 0.26426; 1000 Genomes Project 30x 0.26905; gnomAD 0.27079; ExAC 0.27178; ESP Exome Variant Server 0.27424; 1000 Genomes Project 0.27436.
gnomAD v4.1: 423,286 of 1,609,528 alleles (26%); highest among the groups gnomAD compares: South Asian, 33%; 56,590 homozygotes.

Submission:

PreventionGenetics, part of Exact Sciences
Classification: Benign for LTA-related condition. Last evaluated: 2019-10-17. Review status: no assertion criteria provided. Collection method: clinical testing. Allele origin: germline.
Comment: This variant is classified as benign based on ACMG/AMP sequence variant interpretation guidelines (Richards et al. 2015 PMID: 25741868, with internal and published modifications).